The following is an entry in ClinVar:

NM_175875.5(SIX5):c.56T>C (p.Val19Ala)

Genes: DM1-AS (DM1 locus antisense RNA; plus strand), SIX5 (SIX homeobox 5; minus strand), LOC107075317 (origin of replication in DMPK trinucleotide repeat region; plus strand). Cytogenetic location: 19q13.32.
Variant type: single nucleotide variant.
Coding change: c.56T>C on transcript NM_175875.5 (MANE Select); coding-DNA position 56, T replaced by C.
Protein change: p.Val19Ala; replaces valine 19 with alanine.
Molecular consequence: missense variant.
Genome position (GRCh38, 1-based): chr19:45,768,789, A>G on the plus strand (T>C on the coding strand, the complement: SIX5 is on the minus strand). VCF-style: chr19-45768789-A-G. GRCh37 (hg19) VCF-style: chr19-46272047-A-G.
Other names: short protein forms V19A.
Identifiers: ClinVar variation 1466465 (VCV001466465.8), dbSNP rs762866764, ClinGen allele CA9520872.

ClinVar aggregate classification (germline): Uncertain significance (1 of 4 stars; one submission).

Allele frequency attached by ClinVar (database versions not stated): gnomAD exomes 0.00001 and 0.00002; TOPMed 0.00002; ExAC 0.00010.
gnomAD v4.1: 11 of 1,526,700 alleles (0.00072%); highest among the groups gnomAD compares: East Asian, 0.005%; no homozygotes.

Submission:

Labcorp Genetics (formerly Invitae), Labcorp
Classification: Uncertain significance. Last evaluated: 2023-02-16. Review status: criteria provided, single submitter. Criteria: Invitae Variant Classification Sherloc (09022015). Collection method: clinical testing. Allele origin: germline.
Comment: This variant is present in population databases (rs762866764, gnomAD 0.01%). This variant has not been reported in the literature in individuals affected with SIX5-related conditions. ClinVar contains an entry for this variant (Variation ID: 1466465). Experimental studies and prediction algorithms are not available or were not evaluated, and the functional significance of this variant is currently unknown. In summary, the available evidence is currently insufficient to determine the role of this variant in disease. Therefore, it has been classified as a Variant of Uncertain Significance. This sequence change replaces valine, which is neutral and non-polar, with alanine, which is neutral and non-polar, at codon 19 of the SIX5 protein (p.Val19Ala).